The following is an entry in ClinVar:

NM_024675.4(PALB2):c.985C>T (p.Leu329=)

Gene: PALB2 (partner and localizer of BRCA2; minus strand). Cytogenetic location: 16p12.2.
Variant type: single nucleotide variant.
Coding change: c.985C>T on transcript NM_024675.4 (MANE Select); coding-DNA position 985, C replaced by T.
Protein change: p.Leu329=; no amino-acid change (leucine 329 retained).
Molecular consequence: synonymous variant.
Genome position (GRCh38, 1-based): chr16:23,635,561, G>A on the plus strand (C>T on the coding strand, the complement: PALB2 is on the minus strand). VCF-style: chr16-23635561-G-A. GRCh37 (hg19) VCF-style: chr16-23646882-G-A.
Other names: c.985C>T (NM_024675.3).
Identifiers: ClinVar variation 1086526 (VCV001086526.14), dbSNP rs863224792, ClinGen allele CA494461708.

ClinVar aggregate classification (germline): Benign/Likely benign. Review status: criteria provided, multiple submitters, no conflicts (2 of 4 stars). 4 submissions from 4 submitters: Benign (1); Likely benign (3). Last evaluated 2025-02-08.

Conditions:
Familial cancer of breast. Also called: hereditary breast carcinoma; BREAST CANCER, FAMILIAL; Hereditary breast cancer. Identifiers: Orphanet 227535, MedGen C0346153, MONDO:0016419, OMIM 114480. Disease mechanism: loss of function.
Hereditary cancer-predisposing syndrome. Also called: Hereditary Cancer Syndrome; Neoplastic Syndromes, Hereditary; Tumor predisposition; Hereditary neoplastic syndrome. Identifiers: Orphanet 140162, MedGen C0027672, MeSH D009386, MONDO:0015356.

Submissions (4):

Ambry Genetics
Classification: Likely benign for Hereditary cancer-predisposing syndrome. Last evaluated: 2025-02-08. Review status: criteria provided, single submitter. Criteria: Ambry Variant Classification Scheme 2023. Collection method: clinical testing. Allele origin: germline.

Myriad Genetics, Inc.
Classification: Benign for Familial cancer of breast. Last evaluated: 2025-01-13. Review status: criteria provided, single submitter. Criteria: Myriad Autosomal Dominant, Autosomal Recessive and X-Linked Classification Criteria (2023). Collection method: clinical testing. Allele origin: unknown.
Comment: This variant is considered benign. This variant is a silent/synonymous amino acid change and it is not expected to impact splicing.

Labcorp Genetics (formerly Invitae), Labcorp
Classification: Likely benign for Familial cancer of breast. Last evaluated: 2024-09-19. Review status: criteria provided, single submitter. Criteria: Invitae Variant Classification Sherloc (09022015). Collection method: clinical testing. Allele origin: germline.

Color Diagnostics, LLC DBA Color Health
Classification: Likely benign for Hereditary cancer-predisposing syndrome. Last evaluated: 2023-11-06. Review status: criteria provided, single submitter. Criteria: ACMG Guidelines, 2015. Collection method: clinical testing. Allele origin: germline.